The following is an entry in ClinVar:

ClinVar aggregate classification (germline): Uncertain significance (1 of 4 stars; one submission).

Submission:

GeneDx
Classification: Uncertain significance. Last evaluated: 2022-03-24. Review status: criteria provided, single submitter. Criteria: GeneDx Variant Classification Process June 2021. Collection method: clinical testing. Allele origin: germline. Affected: yes.
Comment: Not observed at significant frequency in large population cohorts (gnomAD); In silico analysis supports that this missense variant has a deleterious effect on protein structure/function; Has not been previously published as pathogenic or benign to our knowledge

NM_006445.4(PRPF8):c.3905G>A (p.Gly1302Glu)

Gene: PRPF8 (pre-mRNA processing factor 8; minus strand). Cytogenetic location: 17p13.3.
Variant type: single nucleotide variant.
Coding change: c.3905G>A on transcript NM_006445.4 (MANE Select); coding-DNA position 3905, G replaced by A.
Protein change: p.Gly1302Glu; replaces glycine 1302 with glutamic acid.
Molecular consequence: missense variant.
Genome position (GRCh38, 1-based): chr17:1,662,023, C>T on the plus strand (G>A on the coding strand, the complement: PRPF8 is on the minus strand). VCF-style: chr17-1662023-C-T. GRCh37 (hg19) VCF-style: chr17-1565317-C-T.
Other names: short protein forms G1302E.
Identifiers: ClinVar variation 1707921 (VCV001707921.2), dbSNP rs2543735781, ClinGen allele CA397579032.
Genomic context (GRCh38, chr17:1,662,023, plus strand): 5'-AACTCCTTAGGGGTGTAGAACACAACCGGGGGGAACCGACTTGGCATCTTGGAGTTGAGT[C>T]CAATCTTGATACGTGTCTGGATTTTGTTCTCACACTTCACCAGTAAGTCCAAGAGCTCTT-3'
Protein context (NP_006436.3, residues 1292-1312): ENKIQTRIKI[Gly1302Glu]LNSKMPSRFP